The following is an entry in ClinVar:

ClinVar aggregate classification (germline): Benign/Likely benign. Review status: criteria provided, multiple submitters, no conflicts (2 of 4 stars). 7 submissions from 7 submitters: Benign (5); Likely benign (2). Last evaluated 2026-01-26.

Conditions:
Monosomy 7 myelodysplasia and leukemia syndrome 1. Also called: Monosomy 7 of bone marrow; Familial Mosaic Monosomy 7 Syndrome; CHROMOSOME 7q DELETION. Identifiers: MedGen C1854978, MONDO:0009646, OMIM 252270.
Ataxia-pancytopenia syndrome (ATXPC). Also called: SAMD9L-Related Syndrome; SAMD9L Ataxia-Pancytopenia Syndrome. Identifiers: Orphanet 2585, MedGen C1327919, MONDO:0008038, OMIM 159550.
Spinocerebellar ataxia 49 (SCA49). Identifiers: Orphanet 631106, MedGen C5676950, MONDO:0030805, OMIM 619806.
Inborn genetic diseases. Identifiers: MedGen C0950123, MeSH D030342.

Allele frequency attached by ClinVar (database versions not stated): gnomAD exomes 0.00169; ExAC 0.00227; gnomAD 0.00755 and 0.00818; 1000 Genomes Project 0.00839; 1000 Genomes Project 30x 0.00843; TOPMed 0.00851; ESP Exome Variant Server 0.00885.

Submissions (7):

Labcorp Genetics (formerly Invitae), Labcorp
Classification: Benign. Last evaluated: 2026-01-26. Review status: criteria provided, single submitter. Criteria: Invitae Variant Classification Sherloc (09022015). Collection method: clinical testing. Allele origin: germline.

Ambry Genetics
Classification: Likely benign for Inborn genetic diseases. Last evaluated: 2024-10-04. Review status: criteria provided, single submitter. Criteria: Ambry Variant Classification Scheme 2023. Collection method: clinical testing. Allele origin: germline.

ARUP Laboratories, Molecular Genetics and Genomics, ARUP Laboratories
Classification: Benign. Last evaluated: 2024-07-30. Review status: criteria provided, single submitter. Criteria: ARUP Molecular Germline Variant Investigation Process 2024. Collection method: clinical testing. Allele origin: germline.

Mayo Clinic Laboratories, Mayo Clinic
Classification: Benign. Last evaluated: 2024-01-02. Review status: criteria provided, single submitter. Criteria: ACMG Guidelines, 2015. Collection method: clinical testing. Allele origin: germline. Observed: 4 variant alleles.
Comment: BA1, BS2, BP4, BP7

Fulgent Genetics
Classification: Likely benign for Ataxia-pancytopenia syndrome; Monosomy 7 myelodysplasia and leukemia syndrome 1; Spinocerebellar ataxia 49. Last evaluated: 2021-09-13. Review status: criteria provided, single submitter. Criteria: ACMG Guidelines, 2015. Collection method: clinical testing. Allele origin: unknown.

Genetic Services Laboratory, University of Chicago
Classification: Benign. Last evaluated: 2020-07-28. Review status: criteria provided, single submitter. Criteria: ACMG Guidelines, 2015. Collection method: clinical testing. Allele origin: germline. Affected: no.

Breakthrough Genomics
Classification: Benign. Review status: criteria provided, single submitter. Criteria: ACMG Guidelines, 2015. Collection method: not provided. Allele origin: germline. Inheritance: Autosomal dominant inheritance. Affected: yes.

NM_152703.5(SAMD9L):c.3964T>C (p.Leu1322=)

Gene: SAMD9L (sterile alpha motif domain containing 9 like; minus strand). Cytogenetic location: 7q21.2.
Variant type: single nucleotide variant.
Coding change: c.3964T>C on transcript NM_152703.5 (MANE Select); coding-DNA position 3964, T replaced by C.
Protein change: p.Leu1322=; no amino-acid change (leucine 1322 retained).
Molecular consequence: synonymous variant.
Genome position (GRCh38, 1-based): chr7:93,132,008, A>G on the plus strand (T>C on the coding strand, the complement: SAMD9L is on the minus strand). VCF-style: chr7-93132008-A-G. GRCh37 (hg19) VCF-style: chr7-92761321-A-G.
Other names: p.Leu1322=; c.3964T>C, p.Leu1322= (NM_001303496.3, NM_001303497.3, NM_001303498.3 and 5 more transcripts); c.3964T>C (NM_152703.2).
Identifiers: ClinVar variation 722433 (VCV000722433.18), dbSNP rs73710962, ClinGen allele CA4343379.